The following is an entry in ClinVar:

NM_005465.7(AKT3):c.1006A>G (p.Met336Val)

Gene: AKT3 (AKT serine/threonine kinase 3; minus strand). Cytogenetic location: 1q44.
Variant type: single nucleotide variant.
Coding change: c.1006A>G on transcript NM_005465.7 (MANE Select); coding-DNA position 1006, A replaced by G.
Protein change: p.Met336Val; replaces methionine 336 with valine.
Molecular consequence: missense variant.
Genome position (GRCh38, 1-based): chr1:243,552,886, T>C on the plus strand (A>G on the coding strand, the complement: AKT3 is on the minus strand). VCF-style: chr1-243552886-T-C. GRCh37 (hg19) VCF-style: chr1-243716188-T-C.
Other names: c.1006A>G, p.Met336Val (NM_001206729.2, NM_001370074.1, NM_181690.2); short protein forms M336V.
Identifiers: ClinVar variation 3703068 (VCV003703068.2).

ClinVar aggregate classification (germline): Uncertain significance (1 of 4 stars; one submission).

Conditions:
Megalencephaly-polymicrogyria-polydactyly-hydrocephalus syndrome 2 (MPPH2). Also called: MEGALENCEPHALY-POLYMICROGYRIA-POLYDACTYLY-HYDROCEPHALUS SYNDROME 2, SOMATIC. Identifiers: Orphanet 83473, MedGen C4014738, MONDO:0014407, OMIM 615937.

gnomAD v4.1: 16 of 1,614,006 alleles (0.00099%); highest among the groups gnomAD compares: East Asian, 0.013%; no homozygotes.

Submission:

Labcorp Genetics (formerly Invitae), Labcorp
Classification: Uncertain significance for Megalencephaly-polymicrogyria-polydactyly-hydrocephalus syndrome 2. Last evaluated: 2024-04-29. Review status: criteria provided, single submitter. Criteria: Invitae Variant Classification Sherloc (09022015). Collection method: clinical testing. Allele origin: germline.
Comment: This sequence change replaces methionine, which is neutral and non-polar, with valine, which is neutral and non-polar, at codon 336 of the AKT3 protein (p.Met336Val). This variant is present in population databases (rs763403101, gnomAD 0.01%). This variant has not been reported in the literature in individuals affected with AKT3-related conditions. An algorithm developed to predict the effect of missense changes on protein structure and function (PolyPhen-2) suggests that this variant is likely to be tolerated. In summary, the available evidence is currently insufficient to determine the role of this variant in disease. Therefore, it has been classified as a Variant of Uncertain Significance.